The following is an entry in ClinVar:

ClinVar aggregate classification (germline): Likely benign (0 of 4 stars; one submission).

Conditions:
VPS13B-related disorder. Also called: VPS13B-related condition.

Submission:

PreventionGenetics, part of Exact Sciences
Classification: Likely benign for VPS13B-related condition. Last evaluated: 2022-07-27. Review status: no assertion criteria provided. Collection method: clinical testing. Allele origin: germline.
Comment: This variant is classified as likely benign based on ACMG/AMP sequence variant interpretation guidelines (Richards et al. 2015 PMID: 25741868, with internal and published modifications).

NC_000008.11:g.100471430G>A

Gene: VPS13B (vacuolar protein sorting 13 homolog B; plus strand). Cytogenetic location: 8q22.2.
Variant type: single nucleotide variant.
Genome position: GRCh38 VCF-style: chr8-100471430-G-A. GRCh37 (hg19) VCF-style: chr8-101483658-G-A.
Identifiers: ClinVar variation 3354476 (VCV003354476.1).